The following is an entry in ClinVar:

ClinVar aggregate classification (germline): Conflicting classifications of pathogenicity. Review status: criteria provided, conflicting classifications (1 of 4 stars). 2 submissions from 2 submitters: Uncertain significance (1); Likely benign (1). Last evaluated 2024-07-28.

Conditions:
LAMB2-related infantile-onset nephrotic syndrome. Also called: NEPHROTIC SYNDROME, TYPE 5, WITHOUT OCULAR ABNORMALITIES; NEPHROTIC SYNDROME, TYPE 5, WITH OCULAR ABNORMALITIES; Nephrotic Syndrome, type 5. Identifiers: Orphanet 306507, MedGen C3280113, MONDO:0013621, OMIM 614199.
Pierson syndrome. Also called: MICROCORIA-CONGENITAL NEPHROTIC SYNDROME. Identifiers: Orphanet 2670, MedGen C1836876, MONDO:0012184, OMIM 609049.
Inborn genetic diseases. Identifiers: MedGen C0950123, MeSH D030342.

Allele frequency attached by ClinVar (database versions not stated): gnomAD exomes 0.00001 and 0.00003; gnomAD 0.00002 and 0.00004; ExAC 0.00003; TOPMed 0.00005.
gnomAD v4.1: 16 of 1,613,752 alleles (0.00099%); highest among the groups gnomAD compares: Admixed American, 0.013%; no homozygotes.

Submissions (2):

Ambry Genetics
Classification: Likely benign for Inborn genetic diseases. Last evaluated: 2024-07-28. Review status: criteria provided, single submitter. Criteria: Ambry Variant Classification Scheme 2023. Collection method: clinical testing. Allele origin: germline.

Labcorp Genetics (formerly Invitae), Labcorp
Classification: Uncertain significance for LAMB2-related infantile-onset nephrotic syndrome; Pierson syndrome. Last evaluated: 2021-12-13. Review status: criteria provided, single submitter. Criteria: Invitae Variant Classification Sherloc (09022015). Collection method: clinical testing. Allele origin: germline.
Comment: This sequence change replaces isoleucine, which is neutral and non-polar, with valine, which is neutral and non-polar, at codon 1620 of the LAMB2 protein (p.Ile1620Val). This variant is present in population databases (rs778561883, gnomAD 0.02%). This variant has not been reported in the literature in individuals affected with LAMB2-related conditions. Algorithms developed to predict the effect of missense changes on protein structure and function output the following: SIFT: "Tolerated"; PolyPhen-2: "Benign"; Align-GVGD: "Class C0". The valine amino acid residue is found in multiple mammalian species, which suggests that this missense change does not adversely affect protein function. In summary, the available evidence is currently insufficient to determine the role of this variant in disease. Therefore, it has been classified as a Variant of Uncertain Significance.

NM_002292.4(LAMB2):c.4858A>G (p.Ile1620Val)

Gene: LAMB2 (laminin subunit beta 2; minus strand). Cytogenetic location: 3p21.31.
Variant type: single nucleotide variant.
Coding change: c.4858A>G on transcript NM_002292.4 (MANE Select); coding-DNA position 4858, A replaced by G.
Protein change: p.Ile1620Val; replaces isoleucine 1620 with valine.
Molecular consequence: missense variant.
Genome position (GRCh38, 1-based): chr3:49,122,009, T>C on the plus strand (A>G on the coding strand, the complement: LAMB2 is on the minus strand). VCF-style: chr3-49122009-T-C. GRCh37 (hg19) VCF-style: chr3-49159442-T-C.
Other names: c.4858A>G (NM_002292.3); short protein forms I1620V.
Identifiers: ClinVar variation 1467022 (VCV001467022.4), dbSNP rs778561883, ClinGen allele CA2393681.